The following is an entry in ClinVar:

NM_001365536.1(SCN9A):c.3004G>T (p.Val1002Leu)

Genes: SCN1A-AS1 (SCN1A and SCN9A antisense RNA 1; plus strand), SCN9A (sodium voltage-gated channel alpha subunit 9; minus strand). Cytogenetic location: 2q24.3.
Variant type: single nucleotide variant.
Coding change: c.3004G>T on transcript NM_001365536.1 (MANE Select); coding-DNA position 3004, G replaced by T.
Protein change: p.Val1002Leu; replaces valine 1002 with leucine.
Molecular consequence: missense variant.
Genome position (GRCh38, 1-based): chr2:166,272,746, C>A on the plus strand (G>T on the coding strand, the complement: SCN9A is on the minus strand). VCF-style: chr2-166272746-C-A. GRCh37 (hg19) VCF-style: chr2-167129256-C-A.
Other names: V991L; c.2971G>T, p.Val991Leu (NM_002977.4); short protein forms V1002L.
Identifiers: ClinVar variation 94090 (VCV000094090.43), dbSNP rs4369876, ClinGen allele CA147606.

ClinVar aggregate classification (germline): Conflicting classifications of pathogenicity. Review status: criteria provided, conflicting classifications (1 of 4 stars). 17 submissions from 15 submitters: Uncertain significance (1); Benign (12); Likely benign (1). 3 of the submissions do not count toward it. Last evaluated 2026-02-03.

Conditions:
Generalized epilepsy with febrile seizures plus, type 7 (GEFSP7). Also called: GEFS+, TYPE 7. Identifiers: Orphanet 36387, MedGen C2751778, MONDO:0013470, OMIM 613863.
Neuropathy, hereditary sensory and autonomic, type 2A (HSAN2A). Also called: NEUROPATHY, CONGENITAL SENSORY; NEUROPATHY, HEREDITARY SENSORY RADICULAR, AUTOSOMAL RECESSIVE; NEUROPATHY, HEREDITARY SENSORY, TYPE IIA; NEUROPATHY, PROGRESSIVE SENSORY, OF CHILDREN; WNK1-Related HSAN2 (HSAN2A); ACROOSTEOLYSIS, GIACCAI TYPE. Identifiers: Orphanet 970, MedGen C2752089, MONDO:0024309, OMIM 201300.
Paroxysmal extreme pain disorder (PEXPD). Also called: PAIN, SUBMANDIBULAR, OCULAR, AND RECTAL, WITH FLUSHING; RECTAL PAIN, FAMILIAL; SCN9A Paroxysmal Extreme Pain Disorder (SCN9A-PEPD). Identifiers: Orphanet 46348, MedGen C1833661, MONDO:0008179, OMIM 167400.
Primary erythromelalgia. Also called: SCN9A Erythromelalgia (SCN9A-EM); primary erythermalgia. Identifiers: Orphanet 306577, Orphanet 90026, MedGen C0014805, MONDO:0007571, OMIM 133020.
Channelopathy-associated congenital insensitivity to pain, autosomal recessive. Also called: ASYMBOLIA FOR PAIN; CONGENITAL ANALGESIA, AUTOSOMAL RECESSIVE; Insensitivity to pain, channelopathy-associated. Identifiers: Orphanet 88642, Orphanet 970, MedGen C1855739, MONDO:0009459, OMIM 243000.

Allele frequency attached by ClinVar (database versions not stated): gnomAD 0.01458 and 0.01322; ExAC 0.03107; 1000 Genomes Project 0.03315; gnomAD exomes 0.03315; 1000 Genomes Project 30x 0.03420; TOPMed 0.02349; ESP Exome Variant Server 0.00357.
gnomAD v4.1: 14,707 of 1,563,390 alleles (0.94%); highest among the groups gnomAD compares: Admixed American, 15%; 899 homozygotes.

Submissions (17):

Labcorp Genetics (formerly Invitae), Labcorp
Classification: Benign for Neuropathy, hereditary sensory and autonomic, type 2A; Generalized epilepsy with febrile seizures plus, type 7. Last evaluated: 2026-02-03. Review status: criteria provided, single submitter. Criteria: Invitae Variant Classification Sherloc (09022015). Collection method: clinical testing. Allele origin: germline.

ARUP Laboratories, Molecular Genetics and Genomics, ARUP Laboratories
Classification: Benign. Last evaluated: 2025-07-01. Review status: criteria provided, single submitter. Criteria: ARUP Molecular Germline Variant Investigation Process 2024. Collection method: clinical testing. Allele origin: germline.

Blueprint Genetics
Classification: Benign. Last evaluated: 2024-11-26. Review status: criteria provided, single submitter. Criteria: ACMG Guidelines, 2015. Collection method: clinical testing. Allele origin: germline.

Unidad de Genómica Garrahan, Hospital de Pediatría Garrahan
Classification: Benign. Last evaluated: 2024-07-15. Review status: criteria provided, single submitter. Criteria: ACMG Guidelines, 2015. Collection method: clinical testing. Allele origin: germline. Affected: no. Observed: 21 variant alleles.
Comment: This variant is classified as Benign based on local population frequency. This variant was detected in 23% of patients studied in a panel designed for Epileptic and Developmental Encephalopathy and Progressive Myoclonus Epilepsy. Number of patients: 21. Only high quality variants are reported.

Athena Diagnostics
Classification: Benign. Last evaluated: 2018-12-13. Review status: criteria provided, single submitter. Criteria: Athena Diagnostics Criteria. Collection method: clinical testing. Allele origin: germline.

GeneDx
Classification: Benign. Last evaluated: 2018-11-08. Review status: criteria provided, single submitter. Criteria: GeneDx Variant Classification Process June 2021. Collection method: clinical testing. Allele origin: germline. Affected: yes.
Comment: This variant is associated with the following publications: (PMID: 25585270, 27956748, 26284228, 27535533, 21698661)

Illumina Laboratory Services, Illumina
Classification: Benign for Primary erythromelalgia. Last evaluated: 2017-04-27. Review status: criteria provided, single submitter. Criteria: ICSL Variant Classification Criteria 13 December 2019. Collection method: clinical testing. Allele origin: germline.
Comment: This variant was observed as part of a predisposition screen in an ostensibly healthy population. A literature search was performed for the gene, cDNA change, and amino acid change (where applicable). No publications were found based on this search. Allele frequency data from public databases was too high to be consistent with this variant causing disease. Therefore, this variant is classified as benign.

Illumina Laboratory Services, Illumina
Classification: Benign for Paroxysmal extreme pain disorder. Last evaluated: 2017-04-27. Review status: criteria provided, single submitter. Criteria: ICSL Variant Classification Criteria 13 December 2019. Collection method: clinical testing. Allele origin: germline.
Comment: the same text as in the submission from Illumina Laboratory Services, Illumina above.

Illumina Laboratory Services, Illumina
Classification: Benign for Channelopathy-associated congenital insensitivity to pain, autosomal recessive. Last evaluated: 2017-04-27. Review status: criteria provided, single submitter. Criteria: ICSL Variant Classification Criteria 13 December 2019. Collection method: clinical testing. Allele origin: germline.
Comment: the same text as in the submission from Illumina Laboratory Services, Illumina above.

Mayo Clinic Laboratories, Mayo Clinic
Classification: Benign. Last evaluated: 2016-04-21. Review status: criteria provided, single submitter. Criteria: ACMG Guidelines, 2015. Collection method: clinical testing. Allele origin: germline. Observed: 60 variant alleles.

Soonchunhyang University Bucheon Hospital, Soonchunhyang University Medical Center
Classification: Uncertain significance for Primary erythromelalgia. Last evaluated: 2016-03-18. Review status: criteria provided, single submitter. Criteria: ACMG Guidelines, 2015. Collection method: reference population. Allele origin: germline. Observed: 4 variant alleles.

Eurofins Ntd Llc (ga)
Classification: Benign. Last evaluated: 2013-08-01. Review status: criteria provided, single submitter. Criteria: EGL Classification Definitions 2015. Collection method: clinical testing. Allele origin: germline. Observed: 2 variant alleles, 2 heterozygotes.

Broad Center for Mendelian Genomics, Broad Institute of MIT and Harvard
Classification: Benign for Primary erythromelalgia. Review status: criteria provided, single submitter. Criteria: ACMG Guidelines, 2015. Collection method: research. Allele origin: germline. Inheritance: Autosomal dominant inheritance. Affected: yes.
Comment: The heterozygous p.Val991Leu variant in SCN9A has been identified in an individual suspected to have small fibre neuropathy (PMID: 21698661). In vitro functional studies provide some evidence that the p.Pro124Ser variant will not impact protein function (PMID: 21698661). However, these types of assays may not accurately represent biological function. This variant is classified as benign for autosomal dominant small fibre neuropathy because it has been identified in >20% of Latino chromosomes, including 340 homozygotes, by ExAC.

PreventionGenetics, part of Exact Sciences
Classification: Likely benign. Review status: criteria provided, single submitter. Criteria: ACMG Guidelines, 2015. Collection method: clinical testing. Allele origin: germline.

Clinical Genetics, Academic Medical Center
Classification: Benign. Review status: no assertion criteria provided. Collection method: clinical testing. Allele origin: germline. Affected: yes. Study: VKGL Data-share Consensus. Not counted in ClinVar's aggregate classification.

Genetic Services Laboratory, University of Chicago
Classification: Likely benign for AllHighlyPenetrant. Review status: no assertion criteria provided. Collection method: clinical testing. Allele origin: germline. Inheritance: Autosomal dominant inheritance. Not counted in ClinVar's aggregate classification.
Comment: Likely benign based on allele frequency in 1000 Genomes Project or ESP global frequency and its presence in a patient with a rare or unrelated disease phenotype. NOT Sanger confirmed.

Joint Genome Diagnostic Labs from Nijmegen and Maastricht, Radboudumc and MUMC+
Classification: Likely benign. Review status: no assertion criteria provided. Collection method: clinical testing. Allele origin: germline. Affected: yes. Study: VKGL Data-share Consensus. Not counted in ClinVar's aggregate classification.

Literature cited by the submitters: PubMed 23280954 (cited by Athena Diagnostics); PubMed 21698661 (cited by Athena Diagnostics and Soonchunhyang University Bucheon Hospital, Soonchunhyang University Medical Center).